The following is an entry in ClinVar:

NM_000208.4(INSR):c.4115G>A (p.Arg1372Gln)

Gene: INSR (insulin receptor; minus strand). Cytogenetic location: 19p13.2.
Variant type: single nucleotide variant.
Coding change: c.4115G>A on transcript NM_000208.4 (MANE Select); coding-DNA position 4115, G replaced by A.
Protein change: p.Arg1372Gln; replaces arginine 1372 with glutamine.
Molecular consequence: missense variant.
Genome position (GRCh38, 1-based): chr19:7,117,090, C>T on the plus strand (G>A on the coding strand, the complement: INSR is on the minus strand). VCF-style: chr19-7117090-C-T. GRCh37 (hg19) VCF-style: chr19-7117101-C-T.
Other names: c.4079G>A, p.Arg1360Gln (NM_001079817.3); short protein forms R1372Q, R1360Q.
Identifiers: ClinVar variation 4038883 (VCV004038883.3).

ClinVar aggregate classification (germline): Uncertain significance. Review status: criteria provided, multiple submitters, no conflicts (2 of 4 stars). 2 submissions from 2 submitters: Uncertain significance (2). Last evaluated 2025-06-10.

Conditions:
Inborn genetic diseases. Identifiers: MedGen C0950123, MeSH D030342.
Insulin-resistant diabetes mellitus AND acanthosis nigricans. Also called: type A insulin resistance; DIABETES MELLITUS, INSULIN-RESISTANT, WITH ACANTHOSIS NIGRICANS, TYPE A; INSULIN RECEPTOR, DEFECT IN, WITH INSULIN-RESISTANT DIABETES MELLITUS AND ACANTHOSIS NIGRICANS; IRAN, TYPE A; Insulin-resistance syndrome type A. Identifiers: Orphanet 2297, MedGen C0342278, MONDO:0012520, OMIM 610549.
Hyperinsulinism due to INSR deficiency. Also called: Hyperinsulinism due to glutamodehydrogenase deficiency. Identifiers: Orphanet 263458, MedGen C1864952, MONDO:0012381, OMIM 609968.
Leprechaunism syndrome. Also called: LEPRECHAUNISM; Donohue syndrome. Identifiers: Orphanet 508, MedGen C0265344, MONDO:0009517, OMIM 246200.
Rabson-Mendenhall syndrome. Also called: MENDENHALL SYNDROME; Pineal hyperplasia AND diabetes mellitus syndrome; Pineal Hyperplasia, Insulin-Resistant Diabetes Mellitus, and Somatic Abnormalities. Identifiers: Orphanet 769, MedGen C0271695, MONDO:0009874, OMIM 262190.

gnomAD v4.1: 10 of 1,613,994 alleles (0.00062%); highest among the groups gnomAD compares: East Asian, 0.013%; no homozygotes.

Submissions (2):

Ambry Genetics
Classification: Uncertain significance for Inborn genetic diseases. Last evaluated: 2025-06-10. Review status: criteria provided, single submitter. Criteria: Ambry Variant Classification Scheme 2023. Collection method: clinical testing. Allele origin: germline.

Juno Genomics, Hangzhou Juno Genomics, Inc
Classification: Uncertain significance for Leprechaunism syndrome; Insulin-resistant diabetes mellitus AND acanthosis nigricans; Hyperinsulinism due to INSR deficiency; Rabson-Mendenhall syndrome. Review status: criteria provided, single submitter. Criteria: ACMG Guidelines, 2015. Collection method: clinical testing. Allele origin: germline.
Comment: Absent from controls (or at extremely low frequency if recessive) in Genome Aggregation Database.;Missense variant in a gene that has a low rate of benign missense variation.